The following is an entry in ClinVar:

ClinVar aggregate classification (germline): Benign. Review status: criteria provided, multiple submitters, no conflicts (2 of 4 stars). 2 submissions from 2 submitters: Benign (2). Last evaluated 2018-06-14.

Allele frequency attached by ClinVar (database versions not stated): 1000 Genomes Project 30x 0.58526; 1000 Genomes Project 0.58666; TOPMed 0.63660; gnomAD 0.65266.
gnomAD v4.1: 99,595 of 151,990 alleles (66%); highest among the groups gnomAD compares: Non-Finnish European, 79%; 34,847 homozygotes.

Submissions (2):

GeneDx
Classification: Benign. Last evaluated: 2018-06-14. Review status: criteria provided, single submitter. Criteria: GeneDx Variant Classification (06012015). Collection method: clinical testing. Allele origin: germline. Affected: yes.
Comment: This variant is considered likely benign or benign based on one or more of the following criteria: it is a conservative change, it occurs at a poorly conserved position in the protein, it is predicted to be benign by multiple in silico algorithms, and/or has population frequency not consistent with disease.

Breakthrough Genomics
Classification: Benign. Review status: criteria provided, single submitter. Criteria: ACMG Guidelines, 2015. Collection method: not provided. Allele origin: germline. Inheritance: Autosomal dominant inheritance. Affected: yes.

NM_001103.4(ACTN2):c.1657-160G>C

Gene: ACTN2 (actinin alpha 2; plus strand). Cytogenetic location: 1q43.
Variant type: single nucleotide variant.
Coding change: c.1657-160G>C on transcript NM_001103.4 (MANE Select); 160 bases into the intron before coding-DNA position 1657, G replaced by C.
Molecular consequence: intron variant.
Genome position (GRCh38, 1-based): chr1:236,751,310, G>C. VCF-style: chr1-236751310-G-C. GRCh37 (hg19) VCF-style: chr1-236914610-G-C.
Other names: c.1033-160G>C (NM_001278344.2); c.1657-160G>C (NM_001278343.2).
Identifiers: ClinVar variation 672010 (VCV000672010.2), dbSNP rs3738545, ClinGen allele CA10915829.